The following is an entry in ClinVar:

NM_000264.5(PTCH1):c.3293T>C (p.Val1098Ala)

Gene: PTCH1 (patched 1; minus strand). Cytogenetic location: 9q22.32.
Variant type: single nucleotide variant.
Coding change: c.3293T>C on transcript NM_000264.5 (MANE Select); coding-DNA position 3293, T replaced by C.
Protein change: p.Val1098Ala; replaces valine 1098 with alanine.
Molecular consequence: missense variant. On other transcripts: non-coding transcript variant (1).
Genome position (GRCh38, 1-based): chr9:95,456,289, A>G on the plus strand (T>C on the coding strand, the complement: PTCH1 is on the minus strand). VCF-style: chr9-95456289-A-G. GRCh37 (hg19) VCF-style: chr9-98218571-A-G.
Other names: c.3095T>C, p.Val1032Ala (NM_001083602.3); c.3290T>C, p.Val1097Ala (NM_001083603.3); c.2840T>C, p.Val947Ala (NM_001083604.3, NM_001083605.3, NM_001083606.3 and 1 more transcripts); c.3137T>C, p.Val1046Ala (NM_001354918.2); short protein forms V1098A, V1032A, V1046A, V1097A, V947A.
Identifiers: ClinVar variation 569933 (VCV000569933.15), dbSNP rs1291842090, ClinGen allele CA374111977.

ClinVar aggregate classification (germline): Conflicting classifications of pathogenicity. Review status: criteria provided, conflicting classifications (1 of 4 stars). 3 submissions from 3 submitters: Uncertain significance (1); Likely benign (1). 1 of the submissions does not count toward it. Last evaluated 2025-04-17.

Conditions:
Gorlin syndrome. Also called: Nevoid Basal Cell Carcinoma Syndrome; Basal cell nevus syndrome. Identifiers: Orphanet 377, MedGen C0004779, MONDO:0007187.
Hereditary cancer-predisposing syndrome. Also called: Hereditary neoplastic syndrome; Neoplastic Syndromes, Hereditary; Hereditary Cancer Syndrome; Tumor predisposition. Identifiers: Orphanet 140162, MedGen C0027672, MeSH D009386, MONDO:0015356.

Allele frequency attached by ClinVar (database versions not stated): gnomAD exomes below 0.00001 and 0.00003; TOPMed below 0.00001; gnomAD 0.00001.
gnomAD v4.1: 38 of 1,613,788 alleles (0.0024%); highest among the groups gnomAD compares: Non-Finnish European, 0.0032%; no homozygotes.

Submissions (3):

Labcorp Genetics (formerly Invitae), Labcorp
Classification: Likely benign for Gorlin syndrome. Last evaluated: 2025-04-17. Review status: criteria provided, single submitter. Criteria: Invitae Variant Classification Sherloc (09022015). Collection method: clinical testing. Allele origin: germline.

Ambry Genetics
Classification: Uncertain significance for Hereditary cancer-predisposing syndrome. Last evaluated: 2024-05-25. Review status: criteria provided, single submitter. Criteria: Ambry Variant Classification Scheme 2023. Collection method: clinical testing. Allele origin: germline.
Comment: The p.V1098A variant (also known as c.3293T>C), located in coding exon 19 of the PTCH1 gene, results from a T to C substitution at nucleotide position 3293. The valine at codon 1098 is replaced by alanine, an amino acid with similar properties. This amino acid position is highly conserved in available vertebrate species. In addition, this alteration is predicted to be deleterious by in silico analysis. Since supporting evidence is limited at this time, the clinical significance of this alteration remains unclear.

Department of Pathology and Laboratory Medicine, Sinai Health System
Classification: Uncertain significance. Review status: no assertion criteria provided. Collection method: clinical testing. Allele origin: unknown. Affected: yes. Study: The Canadian Open Genetics Repository (COGR). Not counted in ClinVar's aggregate classification.
Comment: The PTCH1 p.Val1098Ala variant was not identified in the literature nor was it identified in Cosmic or LOVD 3.0. The variant was identified in dbSNP (ID: rs1291842090) and in ClinVar (classified as uncertain significance by Invitae for Gorlin syndrome). The variant was identified in control databases in 2 of 282568 total chromosomes at a frequency of 0.000007078 (Genome Aggregation Database Feb 27, 2017). The variant was observed in the European (non-Finnish) population in 2 of 129184 chromosomes (freq: 0.000015), but was not observed in the African, Latino, Ashkenazi Jewish, East Asian, European (Finnish), Other or South Asian populations. The p.Val1098 residue is conserved in mammals and computational analyses (PolyPhen-2, SIFT, AlignGVGD, BLOSUM, MutationTaster) provide inconsistent predictions regarding the impact to the protein; this information is not very predictive of pathogenicity. The variant occurs outside of the splicing consensus sequence and three of four in silico or computational prediction software programs (SpliceSiteFinder, MaxEntScan, NNSPLICE, GeneSplicer) do not predict a greater than 10% difference in splicing. In summary, based on the above information the clinical significance of this variant cannot be determined with certainty at this time. This variant is classified as a variant of uncertain significance.